The following is an entry in ClinVar:

ClinVar aggregate classification (germline): Uncertain significance. Review status: criteria provided, multiple submitters, no conflicts (2 of 4 stars). 3 submissions from 3 submitters: Uncertain significance (3). Last evaluated 2026-07-13.

Conditions:
WNK1-related disorder. Also called: WNK1-related condition.
Inborn genetic diseases. Identifiers: MedGen C0950123, MeSH D030342.
Neuropathy, hereditary sensory and autonomic, type 2A (HSAN2A). Also called: WNK1-Related HSAN2 (HSAN2A); ACROOSTEOLYSIS, GIACCAI TYPE; ACROOSTEOLYSIS, NEUROGENIC; MORVAN DISEASE; NEUROPATHY, CONGENITAL SENSORY; NEUROPATHY, HEREDITARY SENSORY RADICULAR, AUTOSOMAL RECESSIVE. Identifiers: Orphanet 970, MedGen C2752089, MONDO:0024309, OMIM 201300.
Pseudohypoaldosteronism type 2C (PHA2C). Also called: Pseudohypoaldosteronism Type IIC. Identifiers: Orphanet 757, Orphanet 88940, MedGen C1840391, MONDO:0013778, OMIM 614492.

Allele frequency attached by ClinVar (database versions not stated): TOPMed 0.00021; gnomAD 0.00023.
gnomAD v4.1: 111 of 1,512,896 alleles (0.0073%); highest among the groups gnomAD compares: East Asian, 0.017%; no homozygotes.

Submissions (3):

PreventionGenetics, part of Exact Sciences
Classification: Uncertain significance for WNK1-related condition. Last evaluated: 2026-07-13. Review status: criteria provided, single submitter. Criteria: ACMG Guidelines, 2015. Collection method: clinical testing. Allele origin: germline.
Comment: The WNK1 c.2203G>A variant is predicted to result in the amino acid substitution p.Ala735Thr. To our knowledge, this variant has not been reported in the literature. This variant is reported in 0.023% of alleles in individuals of European (non-Finnish) descent in gnomAD. At this time, the clinical significance of this variant is uncertain due to the absence of conclusive functional and genetic evidence.

Labcorp Genetics (formerly Invitae), Labcorp
Classification: Uncertain significance for Neuropathy, hereditary sensory and autonomic, type 2A; Pseudohypoaldosteronism type 2C. Last evaluated: 2025-12-21. Review status: criteria provided, single submitter. Criteria: Invitae Variant Classification Sherloc (09022015). Collection method: clinical testing. Allele origin: germline.
Comment: This sequence change replaces alanine, which is neutral and non-polar, with threonine, which is neutral and polar, at codon 735 of the WNK1 protein (p.Ala735Thr). This variant is present in population databases (no rsID available, gnomAD 0.02%). This variant has not been reported in the literature in individuals affected with WNK1-related conditions. ClinVar contains an entry for this variant (Variation ID: 654073). Invitae Evidence Modeling of protein sequence and biophysical properties (such as structural, functional, and spatial information, amino acid conservation, physicochemical variation, residue mobility, and thermodynamic stability) indicates that this missense variant is not expected to disrupt WNK1 protein function with a negative predictive value of 95%. In summary, the available evidence is currently insufficient to determine the role of this variant in disease. Therefore, it has been classified as a Variant of Uncertain Significance.

Ambry Genetics
Classification: Uncertain significance for Inborn genetic diseases. Last evaluated: 2023-11-27. Review status: criteria provided, single submitter. Criteria: Ambry Variant Classification Scheme 2023. Collection method: clinical testing. Allele origin: germline.

NM_213655.5(WNK1):c.2203G>A (p.Ala735Thr)

Gene: WNK1 (WNK lysine deficient protein kinase 1; plus strand). Cytogenetic location: 12p13.33.
Variant type: single nucleotide variant.
Coding change: c.2203G>A on transcript NM_213655.5 (MANE Plus Clinical); coding-DNA position 2203, G replaced by A.
Protein change: p.Ala735Thr; replaces alanine 735 with threonine.
Molecular consequence: missense variant. On other transcripts: intron variant (3).
Genome position (GRCh38, 1-based): chr12:865,173, G>A. VCF-style: chr12-865173-G-A. GRCh37 (hg19) VCF-style: chr12-974339-G-A.
Other names: c.2140-2693G>A (NM_001184985.2); c.2139+2903G>A (NM_018979.4, NM_014823.3); short protein forms A735T.
Identifiers: ClinVar variation 654073 (VCV000654073.10), dbSNP rs72649832, ClinGen allele CA231495418.